The following is an entry in ClinVar:

ClinVar aggregate classification (germline): Uncertain significance (1 of 4 stars; one submission).

Conditions:
Tumor predisposition syndrome 3 (TPDS3). Also called: Melanoma, cutaneous malignant, susceptibility to, 10; Glioma susceptibility 9; LONG TELOMERE SYNDROME, POT1-RELATED; POT1 Tumor Predisposition. Identifiers: Orphanet 618, MedGen C4014476, MONDO:0014368, OMIM 615848.

Submission:

Labcorp Genetics (formerly Invitae), Labcorp
Classification: Uncertain significance for Tumor predisposition syndrome 3. Last evaluated: 2025-02-25. Review status: criteria provided, single submitter. Criteria: Invitae Variant Classification Sherloc (09022015). Collection method: clinical testing. Allele origin: germline.
Comment: This variant, c.1621_1629del, results in the deletion of 3 amino acid(s) of the POT1 protein (p.Val541_Val543del), but otherwise preserves the integrity of the reading frame. This variant is not present in population databases (gnomAD no frequency). This variant has not been reported in the literature in individuals affected with POT1-related conditions. Experimental studies and prediction algorithms are not available or were not evaluated, and the functional significance of this variant is currently unknown. In summary, the available evidence is currently insufficient to determine the role of this variant in disease. Therefore, it has been classified as a Variant of Uncertain Significance.

NM_015450.3(POT1):c.1621_1629del (p.Val541_Val543del)

Gene: POT1 (protection of telomeres 1; minus strand). Cytogenetic location: 7q31.33.
Variant type: Deletion.
Coding change: c.1621_1629del on transcript NM_015450.3 (MANE Select); coding-DNA positions 1621 to 1629, 9 bases deleted (GTGTTTGTT; older notation c.1621_1629delGTGTTTGTT).
Protein change: p.Val541_Val543del.
Molecular consequence: inframe deletion. On other transcripts: non-coding transcript variant (3).
Genome position (GRCh38, 1-based): chr7:124,827,271-124,827,279, AACAAACAC deleted on the plus strand (GTGTTTGTT on the coding strand, the reverse complement: POT1 is on the minus strand); deleting any 9 consecutive bases within chr7:124,827,271-124,827,280 gives the same sequence; the c. name uses the placement nearest the transcript's 3' end. VCF-style (leftmost placement, unchanged base first): chr7-124827270-TAACAAACAC-T. GRCh37 (hg19) VCF-style: chr7-124467324-TAACAAACAC-T.
Other names: c.1228_1236del, p.Val410_Val412del (NM_001042594.2).
Identifiers: ClinVar variation 4713763 (VCV004713763.1).